The following is an entry in ClinVar:

NM_003073.5(SMARCB1):c.500+65G>A

Gene: SMARCB1 (SWI/SNF related BAF chromatin remodeling complex subunit B1; plus strand). Cytogenetic location: 22q11.23.
Variant type: single nucleotide variant.
Coding change: c.500+65G>A on transcript NM_003073.5 (MANE Select); 65 bases into the intron after coding-DNA position 500, G replaced by A.
Molecular consequence: intron variant.
Genome position (GRCh38, 1-based): chr22:23,801,146, G>A. VCF-style: chr22-23801146-G-A. GRCh37 (hg19) VCF-style: chr22-24143333-G-A.
Other names: c.554+11G>A (NM_001362877.2); c.527+11G>A (NM_001317946.2); c.473+65G>A (NM_001007468.3).
Identifiers: ClinVar variation 133388 (VCV000133388.9), dbSNP rs34545858, ClinGen allele CA156480.

ClinVar aggregate classification (germline): Benign/Likely benign. Review status: criteria provided, multiple submitters, no conflicts (2 of 4 stars). 4 submissions from 4 submitters: Benign (1); Likely benign (2). 1 of the submissions does not count toward it. Last evaluated 2025-08-18.

Allele frequency attached by ClinVar (database versions not stated): gnomAD exomes 0.00052 and 0.00140; ExAC 0.00192; gnomAD 0.00538 and 0.00586; 1000 Genomes Project 0.00539; TOPMed 0.00587; 1000 Genomes Project 30x 0.00625.
gnomAD v4.1: 1,630 of 1,613,202 alleles (0.1%); highest among the groups gnomAD compares: African/African-American, 1.8%; 16 homozygotes.

Submissions (4):

Genomic Medicine Center of Excellence, King Faisal Specialist Hospital and Research Centre
Classification: Likely benign. Last evaluated: 2025-08-18. Review status: criteria provided, single submitter. Criteria: ACMG Guidelines, 2015. Collection method: clinical testing. Allele origin: germline.

ARUP Laboratories, Molecular Genetics and Genomics, ARUP Laboratories
Classification: Benign. Last evaluated: 2021-07-10. Review status: criteria provided, single submitter. Criteria: ARUP Molecular Germline Variant Investigation Process 2021. Collection method: clinical testing. Allele origin: germline.

GeneDx
Classification: Likely benign. Last evaluated: 2018-06-19. Review status: criteria provided, single submitter. Criteria: GeneDx Variant Classification (06012015). Collection method: clinical testing. Allele origin: germline. Affected: yes.
Comment: This variant is considered likely benign or benign based on one or more of the following criteria: it is a conservative change, it occurs at a poorly conserved position in the protein, it is predicted to be benign by multiple in silico algorithms, and/or has population frequency not consistent with disease.

ITMI
No classification provided. Condition: AllHighlyPenetrant. Last evaluated: 2013-09-19. Review status: no classification provided. Collection method: reference population. Allele origin: germline. Not counted in ClinVar's aggregate classification.
Comment: Please see associated publication for description of ethnicities

Literature cited by the submitters: PubMed 24728327 (cited by ITMI).